The following is an entry in ClinVar:

ClinVar aggregate classification (germline): Uncertain significance (1 of 4 stars; one submission).

Conditions:
MHC class I deficiency. Identifiers: Orphanet 34592, MedGen C6024714, MONDO:0011476.

Allele frequency attached by ClinVar (database versions not stated): gnomAD 0.00001; ExAC 0.00003; TOPMed below 0.00001.
gnomAD v4.1: 6 of 1,614,108 alleles (0.00037%); highest among the groups gnomAD compares: Non-Finnish European, 0.00051%; no homozygotes.

Submission:

Labcorp Genetics (formerly Invitae), Labcorp
Classification: Uncertain significance for MHC class I deficiency 1. Last evaluated: 2022-03-27. Review status: criteria provided, single submitter. Criteria: Invitae Variant Classification Sherloc (09022015). Collection method: clinical testing. Allele origin: germline.
Comment: ClinVar contains an entry for this variant (Variation ID: 847590). This variant has not been reported in the literature in individuals affected with TAP1-related conditions. This variant is present in population databases (rs763494984, gnomAD 0.004%). This sequence change affects codon 476 of the TAP1 mRNA. It is a 'silent' change, meaning that it does not change the encoded amino acid sequence of the TAP1 protein. It affects a nucleotide within the consensus splice site. Algorithms developed to predict the effect of sequence changes on RNA splicing suggest that this variant may disrupt the consensus splice site. In summary, the available evidence is currently insufficient to determine the role of this variant in disease. Therefore, it has been classified as a Variant of Uncertain Significance.

NM_000593.6(TAP1):c.1248T>C (p.Ser416=)

Gene: TAP1 (transporter 1, ATP binding cassette subfamily B member; minus strand). Cytogenetic location: 6p21.32.
Variant type: single nucleotide variant.
Coding change: c.1248T>C on transcript NM_000593.6 (MANE Select); coding-DNA position 1248, T replaced by C.
Protein change: p.Ser416=; no amino-acid change (serine 416 retained).
Molecular consequence: synonymous variant.
Genome position (GRCh38, 1-based): chr6:32,850,320, A>G on the plus strand (T>C on the coding strand, the complement: TAP1 is on the minus strand). VCF-style: chr6-32850320-A-G. GRCh37 (hg19) VCF-style: chr6-32818097-A-G.
Other names: c.645T>C, p.Ser215= (NM_001292022.2).
Identifiers: ClinVar variation 847590 (VCV000847590.7), dbSNP rs763494984, ClinGen allele CA3746836.
Genomic context (GRCh38, chr6:32,850,320, plus strand): 5'-GGGAATGGAGTCACGGCATCTTAAGGACAAGGGAATGGGTATTCATCTTCAGGTGCTCAC[A>G]CTAGTGGTCCAGGAGTTGACTGCATAGGCCACAGCCTCCTTCTGGTTGAGTGTCTTTATT-3'
Protein context (NP_000584.3, residues 406-426): VAYAVNSWTT[Ser416=]ISGMLLKVGI